The following is an entry in ClinVar:

ClinVar aggregate classification (germline): Uncertain significance (1 of 4 stars; one submission).

Allele frequency attached by ClinVar (database versions not stated): gnomAD exomes below 0.00001; ExAC 0.00001.
gnomAD v4.1: 2 of 1,613,570 alleles (0.00012%); highest among the groups gnomAD compares: Non-Finnish European, 0.00017%; no homozygotes.

Submission:

Labcorp Genetics (formerly Invitae), Labcorp
Classification: Uncertain significance. Last evaluated: 2021-12-15. Review status: criteria provided, single submitter. Criteria: Invitae Variant Classification Sherloc (09022015). Collection method: clinical testing. Allele origin: germline.
Comment: This sequence change replaces glycine, which is neutral and non-polar, with glutamic acid, which is acidic and polar, at codon 2719 of the PCLO protein (p.Gly2719Glu). This variant is present in population databases (rs773627604, gnomAD 0.0009%). This variant has not been reported in the literature in individuals affected with PCLO-related conditions. Algorithms developed to predict the effect of missense changes on protein structure and function are either unavailable or do not agree on the potential impact of this missense change (SIFT: "Tolerated"; PolyPhen-2: "Not Available"; Align-GVGD: "Class C0"). In summary, the available evidence is currently insufficient to determine the role of this variant in disease. Therefore, it has been classified as a Variant of Uncertain Significance.

NM_033026.6(PCLO):c.8156G>A (p.Gly2719Glu)

Gene: PCLO (piccolo presynaptic cytomatrix protein; minus strand). Cytogenetic location: 7q21.11.
Variant type: single nucleotide variant.
Coding change: c.8156G>A on transcript NM_033026.6 (MANE Select); coding-DNA position 8156, G replaced by A.
Protein change: p.Gly2719Glu; replaces glycine 2719 with glutamic acid.
Molecular consequence: missense variant.
Genome position (GRCh38, 1-based): chr7:82,952,797, C>T on the plus strand (G>A on the coding strand, the complement: PCLO is on the minus strand). VCF-style: chr7-82952797-C-T. GRCh37 (hg19) VCF-style: chr7-82582113-C-T.
Other names: c.8156G>A, p.Gly2719Glu (NM_014510.3); short protein forms G2719E.
Identifiers: ClinVar variation 1401710 (VCV001401710.3), dbSNP rs773627604, ClinGen allele CA4320171.
Genomic context (GRCh38, chr7:82,952,797, plus strand): 5'-TTAACTTCTACCTTTGGTACTGTACGCAAATCAATTACATCACCAACAAGTTGCAATTTT[C>T]CATCTTCTTTATACTGAGGCTTCTCTAAATGTATGTTATCTAGAGCAAGAGGCTCTGGAG-3'
Protein context (NP_149015.2, residues 2709-2729): HLEKPQYKED[Gly2719Glu]KLQLVGDVID